The following is an entry in ClinVar:

ClinVar aggregate classification (germline): Pathogenic (1 of 4 stars; one submission).

Submission:

Labcorp Genetics (formerly Invitae), Labcorp
Classification: Pathogenic. Last evaluated: 2024-12-17. Review status: criteria provided, single submitter. Criteria: Invitae Variant Classification Sherloc (09022015). Collection method: clinical testing. Allele origin: germline.
Comment: This sequence change creates a premature translational stop signal (p.Trp679*) in the C7 gene. It is expected to result in an absent or disrupted protein product. Loss-of-function variants in C7 are known to be pathogenic (PMID: 9856499, 17407100). This variant is not present in population databases (gnomAD no frequency). This variant has not been reported in the literature in individuals affected with C7-related conditions. For these reasons, this variant has been classified as Pathogenic.

Literature cited by the submitters: PubMed 9856499; PubMed 17407100.

NM_000587.4(C7):c.2036G>A (p.Trp679Ter)

Gene: C7 (complement C7; plus strand). Cytogenetic location: 5p13.1.
Variant type: single nucleotide variant.
Coding change: c.2036G>A on transcript NM_000587.4 (MANE Select); coding-DNA position 2036, G replaced by A.
Protein change: p.Trp679Ter; replaces tryptophan 679 with a stop codon.
Molecular consequence: nonsense.
Genome position (GRCh38, 1-based): chr5:40,972,556, G>A. VCF-style: chr5-40972556-G-A. GRCh37 (hg19) VCF-style: chr5-40972658-G-A.
Other names: short protein forms W679*.
Identifiers: ClinVar variation 3725830 (VCV003725830.2).